The following is an entry in ClinVar:

ClinVar aggregate classification (germline): Uncertain significance. Review status: criteria provided, multiple submitters, no conflicts (2 of 4 stars). 2 submissions from 2 submitters: Uncertain significance (2). Last evaluated 2025-07-31.

Conditions:
SPECC1L-related disorder. Also called: SPECC1L-related condition.
Inborn genetic diseases. Identifiers: MedGen C0950123, MeSH D030342.

Submissions (2):

PreventionGenetics, part of Exact Sciences
Classification: Uncertain significance for SPECC1L-related condition. Last evaluated: 2025-07-31. Review status: criteria provided, single submitter. Criteria: ACMG Guidelines, 2015. Collection method: clinical testing. Allele origin: germline.
Comment: The SPECC1L c.161G>A variant is predicted to result in the amino acid substitution p.Ser54Asn. To our knowledge, this variant has not been reported in the literature or in a large population database (gnomAD), indicating this variant is rare. At this time, the clinical significance of this variant is uncertain due to the absence of conclusive functional and genetic evidence.

Ambry Genetics
Classification: Uncertain significance for Inborn genetic diseases. Last evaluated: 2024-12-02. Review status: criteria provided, single submitter. Criteria: Ambry Variant Classification Scheme 2023. Collection method: clinical testing. Allele origin: germline.

NM_015330.6(SPECC1L):c.161G>A (p.Ser54Asn)

Genes: SPECC1L (sperm antigen with calponin homology and coiled-coil domains 1 like; plus strand), SPECC1L-ADORA2A (SPECC1L-ADORA2A readthrough (NMD candidate); plus strand). Cytogenetic location: 22q11.23.
Variant type: single nucleotide variant.
Coding change: c.161G>A on transcript NM_015330.6 (MANE Select); coding-DNA position 161, G replaced by A.
Protein change: p.Ser54Asn; replaces serine 54 with asparagine.
Molecular consequence: missense variant. On other transcripts: non-coding transcript variant (1).
Genome position (GRCh38, 1-based): chr22:24,313,320, G>A. VCF-style: chr22-24313320-G-A. GRCh37 (hg19) VCF-style: chr22-24709288-G-A.
Other names: c.161G>A, p.Ser54Asn (NM_001145468.4, NM_001254732.3); c.161G>A (NM_015330.4); short protein forms S54N.
Identifiers: ClinVar variation 3448307 (VCV003448307.2).